The following is an entry in ClinVar:

NM_001042492.3(NF1):c.2920A>C (p.Asn974His)

Gene: NF1 (neurofibromin 1; plus strand). Cytogenetic location: 17q11.2.
Variant type: single nucleotide variant.
Coding change: c.2920A>C on transcript NM_001042492.3 (MANE Select); coding-DNA position 2920, A replaced by C.
Protein change: p.Asn974His; replaces asparagine 974 with histidine.
Molecular consequence: missense variant.
Genome position (GRCh38, 1-based): chr17:31,229,904, A>C. VCF-style: chr17-31229904-A-C. GRCh37 (hg19) VCF-style: chr17-29556922-A-C.
Other names: c.2920A>C, p.Asn974His (NM_000267.4); short protein forms N974H.
Identifiers: ClinVar variation 3879136 (VCV003879136.2).

ClinVar aggregate classification (germline): Uncertain significance. Review status: criteria provided, multiple submitters, no conflicts (2 of 4 stars). 2 submissions from 2 submitters: Uncertain significance (2). Last evaluated 2025-02-27.

Conditions:
Cardiovascular phenotype. Identifiers: MedGen CN230736.
Hereditary cancer-predisposing syndrome. Also called: Neoplastic Syndromes, Hereditary; Tumor predisposition; Hereditary Cancer Syndrome; Hereditary neoplastic syndrome. Identifiers: Orphanet 140162, MedGen C0027672, MeSH D009386, MONDO:0015356.

Submissions (2):

Ambry Genetics
Classification: Uncertain significance for Cardiovascular phenotype; Hereditary cancer-predisposing syndrome. Last evaluated: 2025-02-27. Review status: criteria provided, single submitter. Criteria: Ambry Variant Classification Scheme 2023. Collection method: clinical testing. Allele origin: germline.
Comment: The p.N974H variant (also known as c.2920A>C), located in coding exon 22 of the NF1 gene, results from an A to C substitution at nucleotide position 2920. The asparagine at codon 974 is replaced by histidine, an amino acid with similar properties. This amino acid position is conserved. In addition, this alteration is predicted to be tolerated by in silico analysis. Based on the available evidence, the clinical significance of this variant remains unclear.

Blueprint Genetics
Classification: Uncertain significance. Last evaluated: 2021-10-06. Review status: criteria provided, single submitter. Criteria: ACMG Guidelines, 2015. Collection method: clinical testing. Allele origin: germline.